The following is an entry in ClinVar:

NM_000742.4(CHRNA2):c.1283A>C (p.His428Pro)

Gene: CHRNA2 (cholinergic receptor nicotinic alpha 2 subunit; minus strand). Cytogenetic location: 8p21.2.
Variant type: single nucleotide variant.
Coding change: c.1283A>C on transcript NM_000742.4 (MANE Select); coding-DNA position 1283, A replaced by C.
Protein change: p.His428Pro; replaces histidine 428 with proline.
Molecular consequence: missense variant.
Genome position (GRCh38, 1-based): chr8:27,463,160, T>G on the plus strand (A>C on the coding strand, the complement: CHRNA2 is on the minus strand). VCF-style: chr8-27463160-T-G. GRCh37 (hg19) VCF-style: chr8-27320677-T-G.
Other names: c.1238A>C, p.His413Pro (NM_001282455.2); c.806A>C, p.His269Pro (NM_001347705.2, NM_001347706.2); c.689A>C, p.His230Pro (NM_001347707.2, NM_001347708.2); short protein forms H230P, H269P, H413P, H428P.
Identifiers: ClinVar variation 1005332 (VCV001005332.5), dbSNP rs1464665549, ClinGen allele CA370808978.
Genomic context (GRCh38, chr8:27,463,160, plus strand): 5'-CCTGAGGCCCCAGAGTGCAGGTGGCCGTGGCTGCAGAGGGTGCCCACAGAGGGGGCCACA[T>G]GACCTGCACATGCCCATCTGTCCTCCTCCTCCACCACCACCTCCCTCTCCTCGGCATCCA-3'
Protein context (NP_000733.2, residues 418-438): EEEDRWACAG[His428Pro]VAPSVGTLCS

ClinVar aggregate classification (germline): Uncertain significance (1 of 4 stars; one submission).

Conditions:
Familial sleep-related hypermotor epilepsy. Also called: Autosomal Dominant Sleep-Related Hypermotor (Hyperkinetic) Epilepsy. Identifiers: Orphanet 98784, MedGen C3696898, MONDO:0000030.

Allele frequency attached by ClinVar (database versions not stated): gnomAD exomes below 0.00001; gnomAD 0.00001.
gnomAD v4.1: 3 of 1,599,558 alleles (0.00019%); highest among the groups gnomAD compares: African/African-American, 0.0027%; no homozygotes.

Submission:

Labcorp Genetics (formerly Invitae), Labcorp
Classification: Uncertain significance. Last evaluated: 2020-02-21. Review status: criteria provided, single submitter. Criteria: Invitae Variant Classification Sherloc (09022015). Collection method: clinical testing. Allele origin: germline.
Comment: This sequence change replaces histidine with proline at codon 428 of the CHRNA2 protein (p.His428Pro). The histidine residue is weakly conserved and there is a moderate physicochemical difference between histidine and proline. This variant is not present in population databases (ExAC no frequency). This variant has not been reported in the literature in individuals with CHRNA2-related conditions. Algorithms developed to predict the effect of missense changes on protein structure and function output the following: SIFT: "Tolerated"; PolyPhen-2: "Benign"; Align-GVGD: "Class C0". The proline amino acid residue is found in multiple mammalian species, suggesting that this missense change does not adversely affect protein function. These predictions have not been confirmed by published functional studies and their clinical significance is uncertain. In summary, the available evidence is currently insufficient to determine the role of this variant in disease. Therefore, it has been classified as a Variant of Uncertain Significance.